The following is an entry in ClinVar:

ClinVar aggregate classification (germline): Uncertain significance (1 of 4 stars; one submission).

Submission:

GeneDx
Classification: Uncertain significance. Last evaluated: 2022-07-15. Review status: criteria provided, single submitter. Criteria: GeneDx Variant Classification Process June 2021. Collection method: clinical testing. Allele origin: germline. Affected: yes.
Comment: In silico analysis supports that this missense variant does not alter protein structure/function; Has not been previously published as pathogenic or benign to our knowledge; Not observed at significant frequency in large population cohorts (gnomAD)

NM_001813.3(CENPE):c.1628A>G (p.Lys543Arg)

Gene: CENPE (centromere protein E; minus strand). Cytogenetic location: 4q24.
Variant type: single nucleotide variant.
Coding change: c.1628A>G on transcript NM_001813.3 (MANE Select); coding-DNA position 1628, A replaced by G.
Protein change: p.Lys543Arg; replaces lysine 543 with arginine.
Molecular consequence: missense variant.
Genome position (GRCh38, 1-based): chr4:103,174,755, T>C on the plus strand (A>G on the coding strand, the complement: CENPE is on the minus strand). VCF-style: chr4-103174755-T-C. GRCh37 (hg19) VCF-style: chr4-104095912-T-C.
Other names: c.1628A>G, p.Lys543Arg (NM_001286734.2); short protein forms K543R.
Identifiers: ClinVar variation 1697977 (VCV001697977.2), dbSNP rs2126005359, ClinGen allele CA357786482.